The following is an entry in ClinVar:

NM_002905.5(RDH5):c.779A>G (p.Asp260Gly)

Genes: BLOC1S1-RDH5 (BLOC1S1-RDH5 readthrough; plus strand), CD63 (CD63 molecule; minus strand), RDH5 (retinol dehydrogenase 5; plus strand). Cytogenetic location: 12q13.2.
Variant type: single nucleotide variant.
Coding change: c.779A>G on transcript NM_002905.5 (MANE Select); coding-DNA position 779, A replaced by G.
Protein change: p.Asp260Gly; replaces aspartic acid 260 with glycine.
Molecular consequence: missense variant. On other transcripts: non-coding transcript variant (1).
Genome position (GRCh38, 1-based): chr12:55,724,367, A>G. VCF-style: chr12-55724367-A-G. GRCh37 (hg19) VCF-style: chr12-56118151-A-G.
Other names: c.779A>G, p.Asp260Gly (NM_001199771.3); short protein forms D260G.
Identifiers: ClinVar variation 1516668 (VCV001516668.6), dbSNP rs2136142906, ClinGen allele CA385203145.
Genomic context (GRCh38, chr12:55,724,367, plus strand): 5'-CCTATGGGGCTGCAGACCTGAAAATGCAACAGCGCATCATGAACCTGATCTGTGACCCGG[A>G]CCTAACCAAGGTGAGCCGATGCCTGGAGCATGCCCTGACTGCTCGACACCCCCGAACCCG-3'
Protein context (NP_002896.2, residues 250-270): QRIMNLICDP[Asp260Gly]LTKVSRCLEH

ClinVar aggregate classification (germline): Uncertain significance (1 of 4 stars; one submission).

Submission:

Labcorp Genetics (formerly Invitae), Labcorp
Classification: Uncertain significance. Last evaluated: 2023-08-04. Review status: criteria provided, single submitter. Criteria: Invitae Variant Classification Sherloc (09022015). Collection method: clinical testing. Allele origin: germline.
Comment: Advanced modeling of protein sequence and biophysical properties (such as structural, functional, and spatial information, amino acid conservation, physicochemical variation, residue mobility, and thermodynamic stability) performed at Invitae indicates that this missense variant is expected to disrupt RDH5 protein function. This sequence change replaces aspartic acid, which is acidic and polar, with glycine, which is neutral and non-polar, at codon 260 of the RDH5 protein (p.Asp260Gly). This variant is not present in population databases (gnomAD no frequency). This variant has not been reported in the literature in individuals affected with RDH5-related conditions. ClinVar contains an entry for this variant (Variation ID: 1516668). In summary, the available evidence is currently insufficient to determine the role of this variant in disease. Therefore, it has been classified as a Variant of Uncertain Significance.